The following is an entry in ClinVar:

ClinVar aggregate classification (germline): Likely pathogenic (1 of 4 stars; one submission).

Conditions:
Severe combined immunodeficiency disease. Also called: Severe combined immunodeficiency; Severe Combined Immune Deficiency. Identifiers: Orphanet 183660, MedGen C0085110, MeSH D016511, MONDO:0015974, HP:0004430. Inheritance: X-Linked or Autosomal recessive.

Submission:

Women's Health and Genetics/Laboratory Corporation of America, LabCorp
Classification: Likely pathogenic for Severe combined immunodeficiency disease. Last evaluated: 2026-03-31. Review status: criteria provided, single submitter. Criteria: LabCorp Variant Classification Summary - May 2015. Collection method: clinical testing. Allele origin: germline.
Comment: Variant summary: The variant involves the duplication of exons 2-12 in the DOCK8 gene. A presumed nomenclature of c.(53+1_54-1)_(1422+1_1423-1)dup has been designated for the purposes of this classification. It is assumed to be a tandem duplication in direct orientation (PMIDs: 25640679, 30054569). This Copy Number Variant (CNV) is expected to alter the reading frame and predicted to result in a truncation or absence of the encoded protein due to nonsense mediated decay (NMD). Loss-of-function variants in this gene are known to be pathogenic. The variant was absent in 21656 control chromosomes (gnomAD, Structural Variants dataset). To our knowledge, no occurrence of c.(53+1_54-1)_(1422+1_1423-1)dup in individuals affected with DOCK8-related conditions and no experimental evidence demonstrating its impact on protein function have been reported. ClinVar contains 2 entries for this variant (Variation ID: 2427714, 2503871). Based on the evidence outlined above, the variant was classified as likely pathogenic.

NC_000009.11:g.(215030_271626)_(336719_339005)dup

Genes: DOCK8 (dedicator of cytokinesis 8; plus strand), DOCK8-AS1 (DOCK8 antisense RNA 1; minus strand). Cytogenetic location: 9p24.3.
Variant type: Duplication.
Identifiers: ClinVar variation 2503871 (VCV002503871.2).